The following is an entry in ClinVar:

NM_001184.4(ATR):c.2582G>T (p.Arg861Ile)

Gene: ATR (ATR checkpoint kinase; minus strand). Cytogenetic location: 3q23.
Variant type: single nucleotide variant.
Coding change: c.2582G>T on transcript NM_001184.4 (MANE Select); coding-DNA position 2582, G replaced by T.
Protein change: p.Arg861Ile; replaces arginine 861 with isoleucine.
Molecular consequence: missense variant.
Genome position (GRCh38, 1-based): chr3:142,553,691, C>A on the plus strand (G>T on the coding strand, the complement: ATR is on the minus strand). VCF-style: chr3-142553691-C-A. GRCh37 (hg19) VCF-style: chr3-142272533-C-A.
Other names: c.2390G>T, p.Arg797Ile (NM_001354579.2); short protein forms R797I, R861I.
Identifiers: ClinVar variation 2453510 (VCV002453510.2), dbSNP rs2473384075, ClinGen allele CA354815560.
Genomic context (GRCh38, chr3:142,553,691, plus strand): 5'-CAAGTATACCTTCCAATATCCCCTGTTGTAAGAATCAAGGTATCCTTCAGCTCATTATTT[C>A]TTGATATTTGGGCATGTGTATATGCTTCCTTCATTCTTAAGACAAAAAGCTAGAACAATA-3'
Protein context (NP_001175.2, residues 851-871): KEAYTHAQIS[Arg861Ile]NNELKDTLIL

ClinVar aggregate classification (germline): Uncertain significance (1 of 4 stars; one submission).

Conditions:
Inborn genetic diseases. Identifiers: MedGen C0950123, MeSH D030342.

Submission:

Ambry Genetics
Classification: Uncertain significance for Inborn genetic diseases. Last evaluated: 2022-11-02. Review status: criteria provided, single submitter. Criteria: Ambry Variant Classification Scheme 2023. Collection method: clinical testing. Allele origin: germline.
Comment: The p.R861I variant (also known as c.2582G>T), located in coding exon 12 of the ATR gene, results from a G to T substitution at nucleotide position 2582. The arginine at codon 861 is replaced by isoleucine, an amino acid with similar properties. This amino acid position is conserved. In addition, the in silico prediction for this alteration is inconclusive. Since supporting evidence is limited at this time, the clinical significance of this alteration remains unclear.